The following is an entry in ClinVar:

ClinVar aggregate classification (germline): Uncertain significance (1 of 4 stars; one submission).

Conditions:
Combined immunodeficiency due to DOCK8 deficiency (HIES2). Also called: DOCK8 Deficiency; HIES autosomal recessive; HYPER-IgE SYNDROME 2, AUTOSOMAL RECESSIVE, WITH RECURRENT INFECTIONS; Hyper-IgE recurrent infection syndrome, autosomal recessive; HYPER-IgE RECURRENT INFECTION SYNDROME 2, AUTOSOMAL RECESSIVE. Identifiers: Orphanet 217390, MedGen C4722305, MONDO:0009478, OMIM 243700.

gnomAD v4.1: 1 of 1,614,194 alleles (0.000062%); highest among the groups gnomAD compares: South Asian, 0.0011%; no homozygotes.

Submission:

Labcorp Genetics (formerly Invitae), Labcorp
Classification: Uncertain significance for Combined immunodeficiency due to DOCK8 deficiency. Last evaluated: 2025-11-21. Review status: criteria provided, single submitter. Criteria: Invitae Variant Classification Sherloc (09022015). Collection method: clinical testing. Allele origin: germline.
Comment: This sequence change replaces methionine, which is neutral and non-polar, with isoleucine, which is neutral and non-polar, at codon 974 of the DOCK8 protein (p.Met974Ile). This variant is present in population databases (no rsID available, gnomAD 0.003%). This variant has not been reported in the literature in individuals affected with DOCK8-related conditions. Invitae Evidence Modeling of protein sequence and biophysical properties (such as structural, functional, and spatial information, amino acid conservation, physicochemical variation, residue mobility, and thermodynamic stability) indicates that this missense variant is not expected to disrupt DOCK8 protein function with a negative predictive value of 80%. In summary, the available evidence is currently insufficient to determine the role of this variant in disease. Therefore, it has been classified as a Variant of Uncertain Significance.

NM_203447.4(DOCK8):c.2922G>A (p.Met974Ile)

Gene: DOCK8 (dedicator of cytokinesis 8; plus strand). Cytogenetic location: 9p24.3.
Variant type: single nucleotide variant.
Coding change: c.2922G>A on transcript NM_203447.4 (MANE Select); coding-DNA position 2922, G replaced by A.
Protein change: p.Met974Ile; replaces methionine 974 with isoleucine.
Molecular consequence: missense variant.
Genome position (GRCh38, 1-based): chr9:390,518, G>A. VCF-style: chr9-390518-G-A. GRCh37 (hg19) VCF-style: chr9-390518-G-A.
Other names: c.2622G>A, p.Met874Ile (NM_001190458.2); c.2718G>A, p.Met906Ile (NM_001193536.2); short protein forms M874I, M906I, M974I.
Identifiers: ClinVar variation 4807643 (VCV004807643.1).